The following is an entry in ClinVar:

NM_003079.5(SMARCE1):c.714+6G>A

Gene: SMARCE1 (SWI/SNF related BAF chromatin remodeling complex subunit E1; minus strand). Cytogenetic location: 17q21.2.
Variant type: single nucleotide variant.
Coding change: c.714+6G>A on transcript NM_003079.5 (MANE Select); 6 bases into the intron after coding-DNA position 714, G replaced by A.
Molecular consequence: intron variant.
Genome position (GRCh38, 1-based): chr17:40,632,189, C>T on the plus strand (G>A on the coding strand, the complement: SMARCE1 is on the minus strand). VCF-style: chr17-40632189-C-T. GRCh37 (hg19) VCF-style: chr17-38788441-C-T.
Identifiers: ClinVar variation 2855200 (VCV002855200.3), dbSNP rs2508598270, ClinGen allele CA2637753864.
Genomic context (GRCh38, chr17:40,632,189, plus strand): 5'-GAATCATATCACCTGGGATTTGTGGTATAGGCACATCTTATTGAAATGAATGTTTTATGA[C>T]TTTACCTGATGAACCATTAAGGACTGGACCTGCCGTTTGAGGACCTGCATTCTAGCTGTT-3'

ClinVar aggregate classification (germline): Uncertain significance (1 of 4 stars; one submission).

Conditions:
Familial meningioma. Also called: Meningioma, familial, susceptibility to. Identifiers: Orphanet 263662, MedGen C3551915, MONDO:0011789, OMIM 607174.

Allele frequency attached by ClinVar (database versions not stated): gnomAD exomes below 0.00001.
gnomAD v4.1: 1 of 1,607,288 alleles (0.000062%); highest among the groups gnomAD compares: Non-Finnish European, 0.000085%; no homozygotes.

Submission:

Labcorp Genetics (formerly Invitae), Labcorp
Classification: Uncertain significance for Familial meningioma. Last evaluated: 2023-06-14. Review status: criteria provided, single submitter. Criteria: Invitae Variant Classification Sherloc (09022015). Collection method: clinical testing. Allele origin: germline.
Comment: This variant has not been reported in the literature in individuals affected with SMARCE1-related conditions. Variants that disrupt the consensus splice site are a relatively common cause of aberrant splicing (PMID: 17576681, 9536098). Algorithms developed to predict the effect of sequence changes on RNA splicing suggest that this variant is not likely to affect RNA splicing. In summary, the available evidence is currently insufficient to determine the role of this variant in disease. Therefore, it has been classified as a Variant of Uncertain Significance. This variant is not present in population databases (gnomAD no frequency). This sequence change falls in intron 8 of the SMARCE1 gene. It does not directly change the encoded amino acid sequence of the SMARCE1 protein. It affects a nucleotide within the consensus splice site.

Literature cited by the submitters: PubMed 17576681; PubMed 9536098.